The following is an entry in ClinVar:

ClinVar aggregate classification (germline): Uncertain significance. Review status: criteria provided, multiple submitters, no conflicts (2 of 4 stars). 2 submissions from 2 submitters: Uncertain significance (2). Last evaluated 2025-01-01.

Conditions:
Inborn genetic diseases. Identifiers: MedGen C0950123, MeSH D030342.

Allele frequency attached by ClinVar (database versions not stated): ExAC 0.00002; gnomAD 0.00005; TOPMed 0.00005; ESP Exome Variant Server 0.00008.
gnomAD v4.1: 132 of 1,613,786 alleles (0.0082%); highest among the groups gnomAD compares: Non-Finnish European, 0.011%; no homozygotes.

Submissions (2):

Ambry Genetics
Classification: Uncertain significance for Inborn genetic diseases. Last evaluated: 2025-01-01. Review status: criteria provided, single submitter. Criteria: Ambry Variant Classification Scheme 2023. Collection method: clinical testing. Allele origin: germline.

Labcorp Genetics (formerly Invitae), Labcorp
Classification: Uncertain significance. Last evaluated: 2022-03-28. Review status: criteria provided, single submitter. Criteria: Invitae Variant Classification Sherloc (09022015). Collection method: clinical testing. Allele origin: germline.
Comment: This sequence change replaces leucine, which is neutral and non-polar, with phenylalanine, which is neutral and non-polar, at codon 2125 of the PCLO protein (p.Leu2125Phe). This variant is present in population databases (rs375306180, gnomAD 0.008%). This variant has not been reported in the literature in individuals affected with PCLO-related conditions. Algorithms developed to predict the effect of missense changes on protein structure and function are either unavailable or do not agree on the potential impact of this missense change (SIFT: "Tolerated"; PolyPhen-2: "Not Available"; Align-GVGD: "Class C0"). In summary, the available evidence is currently insufficient to determine the role of this variant in disease. Therefore, it has been classified as a Variant of Uncertain Significance.

NM_033026.6(PCLO):c.6373C>T (p.Leu2125Phe)

Gene: PCLO (piccolo presynaptic cytomatrix protein; minus strand). Cytogenetic location: 7q21.11.
Variant type: single nucleotide variant.
Coding change: c.6373C>T on transcript NM_033026.6 (MANE Select); coding-DNA position 6373, C replaced by T.
Protein change: p.Leu2125Phe; replaces leucine 2125 with phenylalanine.
Molecular consequence: missense variant.
Genome position (GRCh38, 1-based): chr7:82,954,580, G>A on the plus strand (C>T on the coding strand, the complement: PCLO is on the minus strand). VCF-style: chr7-82954580-G-A. GRCh37 (hg19) VCF-style: chr7-82583896-G-A.
Other names: c.6373C>T, p.Leu2125Phe (NM_014510.3); c.6373C>T (NM_033026.5); short protein forms L2125F.
Identifiers: ClinVar variation 2419361 (VCV002419361.4), dbSNP rs375306180, ClinGen allele CA4320483.